The following is an entry in ClinVar:

NM_001367561.1(DOCK7):c.5636G>T (p.Gly1879Val)

Gene: DOCK7 (dedicator of cytokinesis 7; minus strand). Cytogenetic location: 1p31.3.
Variant type: single nucleotide variant.
Coding change: c.5636G>T on transcript NM_001367561.1 (MANE Select); coding-DNA position 5636, G replaced by T.
Protein change: p.Gly1879Val; replaces glycine 1879 with valine.
Molecular consequence: missense variant.
Genome position (GRCh38, 1-based): chr1:62,476,155, C>A on the plus strand (G>T on the coding strand, the complement: DOCK7 is on the minus strand). VCF-style: chr1-62476155-C-A. GRCh37 (hg19) VCF-style: chr1-62941826-C-A.
Other names: c.5603G>T, p.Gly1868Val (NM_001271999.2); c.5516G>T, p.Gly1839Val (NM_001272000.2); c.5510G>T, p.Gly1837Val (NM_001272001.2); c.5609G>T, p.Gly1870Val (NM_001330614.2); c.5543G>T, p.Gly1848Val (NM_033407.4); short protein forms G1870V, G1837V, G1848V, G1839V, G1868V, G1879V.
Identifiers: ClinVar variation 1494236 (VCV001494236.8), dbSNP rs770346552, ClinGen allele CA340604777.

ClinVar aggregate classification (germline): Uncertain significance (1 of 4 stars; one submission).

Conditions:
Developmental and epileptic encephalopathy, 23 (DEE23). Also called: Epileptic encephalopathy, early infantile, 23. Identifiers: Orphanet 411986, MedGen C4014492, MONDO:0014371, OMIM 615859.

Allele frequency attached by ClinVar (database versions not stated): gnomAD 0.00001.

Submission:

Labcorp Genetics (formerly Invitae), Labcorp
Classification: Uncertain significance for Developmental and epileptic encephalopathy, 23. Last evaluated: 2022-01-14. Review status: criteria provided, single submitter. Criteria: Invitae Variant Classification Sherloc (09022015). Collection method: clinical testing. Allele origin: germline.
Comment: Algorithms developed to predict the effect of sequence changes on RNA splicing suggest that this variant may create or strengthen a splice site. In summary, the available evidence is currently insufficient to determine the role of this variant in disease. Therefore, it has been classified as a Variant of Uncertain Significance. Algorithms developed to predict the effect of missense changes on protein structure and function are either unavailable or do not agree on the potential impact of this missense change (SIFT: "Deleterious"; PolyPhen-2: "Benign"; Align-GVGD: "Class C0"). This variant has not been reported in the literature in individuals affected with DOCK7-related conditions. This variant is not present in population databases (gnomAD no frequency). This sequence change replaces glycine, which is neutral and non-polar, with valine, which is neutral and non-polar, at codon 1868 of the DOCK7 protein (p.Gly1868Val).